The following is an entry in ClinVar:

ClinVar aggregate classification (germline): Uncertain significance (1 of 4 stars; one submission).

Conditions:
Pyogenic arthritis-pyoderma gangrenosum-acne syndrome (PAPA). Also called: PAPA SYNDROME; FAMILIAL RECURRENT ARTHRITIS. Identifiers: Orphanet 69126, MedGen C1858361, MONDO:0011462, OMIM 604416.

Allele frequency attached by ClinVar (database versions not stated): gnomAD exomes below 0.00001; TOPMed below 0.00001.

Submission:

Labcorp Genetics (formerly Invitae), Labcorp
Classification: Uncertain significance for Pyogenic arthritis-pyoderma gangrenosum-acne syndrome. Last evaluated: 2024-10-25. Review status: criteria provided, single submitter. Criteria: Invitae Variant Classification Sherloc (09022015). Collection method: clinical testing. Allele origin: germline.
Comment: This sequence change replaces isoleucine, which is neutral and non-polar, with valine, which is neutral and non-polar, at codon 226 of the PSTPIP1 protein (p.Ile226Val). This variant is not present in population databases (gnomAD no frequency). This variant has not been reported in the literature in individuals affected with PSTPIP1-related conditions. ClinVar contains an entry for this variant (Variation ID: 1480237). Invitae Evidence Modeling of protein sequence and biophysical properties (such as structural, functional, and spatial information, amino acid conservation, physicochemical variation, residue mobility, and thermodynamic stability) indicates that this missense variant is not expected to disrupt PSTPIP1 protein function with a negative predictive value of 80%. In summary, the available evidence is currently insufficient to determine the role of this variant in disease. Therefore, it has been classified as a Variant of Uncertain Significance.

NM_003978.5(PSTPIP1):c.676A>G (p.Ile226Val)

Gene: PSTPIP1 (proline-serine-threonine phosphatase interacting protein 1; plus strand). Cytogenetic location: 15q24.3.
Variant type: single nucleotide variant.
Coding change: c.676A>G on transcript NM_003978.5 (MANE Select); coding-DNA position 676, A replaced by G.
Protein change: p.Ile226Val; replaces isoleucine 226 with valine.
Molecular consequence: missense variant. On other transcripts: non-coding transcript variant (1).
Genome position (GRCh38, 1-based): chr15:77,031,213, A>G. VCF-style: chr15-77031213-A-G. GRCh37 (hg19) VCF-style: chr15-77323554-A-G.
Other names: c.676A>G, p.Ile226Val (NM_001321135.2); c.649A>G, p.Ile217Val (NM_001321136.2); c.871A>G, p.Ile291Val (NM_001321137.1); short protein forms I291V, I217V, I226V.
Identifiers: ClinVar variation 1480237 (VCV001480237.8), dbSNP rs2076408341, ClinGen allele CA393520875.
Genomic context (GRCh38, chr15:77,031,213, plus strand): 5'-TGCTCACCTCCCTCCCACTGCCCCCAGGCCTTTCAGCTGCAAGAGTTTGACCGGCTGACC[A>G]TTCTCCGCAACGCCCTGTGGGTGCACAGCAACCAGCTCTCCATGCAGTGTGTCAAGGATG-3'
Protein context (NP_003969.2, residues 216-236): FQLQEFDRLT[Ile226Val]LRNALWVHSN